The following is an entry in ClinVar:

NM_000020.3(ACVRL1):c.924C>A (p.Cys308Ter)

Gene: ACVRL1 (activin A receptor like type 1; plus strand). Cytogenetic location: 12q13.13.
Variant type: single nucleotide variant.
Coding change: c.924C>A on transcript NM_000020.3 (MANE Select); coding-DNA position 924, C replaced by A.
Protein change: p.Cys308Ter; replaces cysteine 308 with a stop codon.
Molecular consequence: nonsense.
Genome position (GRCh38, 1-based): chr12:51,915,376, C>A. VCF-style: chr12-51915376-C-A. GRCh37 (hg19) VCF-style: chr12-52309160-C-A.
Other names: c.924C>A, p.Cys308Ter (NM_001077401.2); short protein forms C308*.
Identifiers: ClinVar variation 464771 (VCV000464771.36), dbSNP rs1555153131, ClinGen allele CA384901042.
Genomic context (GRCh38, chr12:51,915,376, plus strand): 5'-TCTGCAGAGACAGACGCTGGAGCCCCATCTGGCTCTGAGGCTAGCTGTGTCCGCGGCATG[C>A]GGCCTGGCGCACCTGCACGTGGAGATCTTCGGTACACAGGGCAAACCAGCCATTGCCCAC-3'

ClinVar aggregate classification (germline): Pathogenic. Review status: criteria provided, multiple submitters, no conflicts (2 of 4 stars). 9 submissions from 9 submitters: Pathogenic (9). Last evaluated 2025-08-12.

Conditions:
ACVRL1-related disorder. Also called: ACVRL1-related disorders; ACVRL1-related condition.
Cardiovascular phenotype. Identifiers: MedGen CN230736.
Telangiectasia, hereditary hemorrhagic, type 2 (HHT2). Also called: ACVRL1-Related Hereditary Hemorrhagic Telangiectasia; Telangiectasia, hereditary hemorrhagic, type II. Identifiers: Orphanet 774, MedGen C1838163, MONDO:0010880, OMIM 600376. Disease mechanism: loss of function.

gnomAD v4.1: 1 of 1,614,038 alleles (0.000062%); no homozygotes.

Submissions (9):

Ambry Genetics
Classification: Pathogenic for Cardiovascular phenotype. Last evaluated: 2025-08-12. Review status: criteria provided, single submitter. Criteria: Ambry Variant Classification Scheme 2023. Collection method: clinical testing. Allele origin: germline.
Comment: The p.C308* pathogenic mutation (also known as c.924C>A), located in coding exon 6 of the ACVRL1 gene, results from a C to A substitution at nucleotide position 924. This changes the amino acid from a cysteine to a stop codon within coding exon 6. This mutation has been detected in individuals with hereditary hemorrhagic telangiectasia, including multiple affected relatives from one family (Berg JN et al. Am J Hum Genet, 1997 Jul;61:60-7; Argyriou L et al. Liver Transpl, 2005 Sep;11:1132-5; Olivieri C et al. J Hum Genet, 2007 Sep;52:820-829). In addition, the transcript carrying this mutation could not be detected by RT-PCR using mRNA isolated from peripheral blood leukocytes (Berg JN et al. Am J Hum Genet, 1997 Jul;61:60-7). This variant is considered to be rare based on population cohorts in the Genome Aggregation Database (gnomAD). In addition to the clinical data presented in the literature, this alteration is expected to result in loss of function by premature protein truncation or nonsense-mediated mRNA decay. As such, this alteration is interpreted as a disease-causing mutation.

Labcorp Genetics (formerly Invitae), Labcorp
Classification: Pathogenic for Telangiectasia, hereditary hemorrhagic, type 2. Last evaluated: 2025-05-25. Review status: criteria provided, single submitter. Criteria: Invitae Variant Classification Sherloc (09022015). Collection method: clinical testing. Allele origin: germline.
Comment: This sequence change creates a premature translational stop signal (p.Cys308*) in the ACVRL1 gene. It is expected to result in an absent or disrupted protein product. Loss-of-function variants in ACVRL1 are known to be pathogenic (PMID: 15879500). This variant is not present in population databases (gnomAD no frequency). This premature translational stop signal has been observed in individual(s) with hereditary hemorrhagic telangiectasia (HHT) (PMID: 9245985, 16123970). ClinVar contains an entry for this variant (Variation ID: 464771). For these reasons, this variant has been classified as Pathogenic.

PreventionGenetics, part of Exact Sciences
Classification: Pathogenic for ACVRL1-related condition. Last evaluated: 2025-05-23. Review status: criteria provided, single submitter. Criteria: ACMG Guidelines, 2015. Collection method: clinical testing. Allele origin: germline.
Comment: The ACVRL1 c.924C>A variant is predicted to result in premature protein termination (p.Cys308*). This variant has been reported in multiple unrelated individuals with hereditary hemorrhagic telangiectasia (Berg et al. 1997. PubMed ID: 9245985; Bayrak-Toydemir et al. 2004. PubMed ID: 15266205; Lenato et al. 2006. PubMed ID: 16429404; Olivieri et al. 2007. PubMed ID: 17786384). This variant has not been reported in a large population database (gnomAD), indicating this variant is rare. Nonsense variants in ACVRL1 are expected to be pathogenic. This variant is interpreted as pathogenic.

Mayo Clinic Laboratories, Mayo Clinic
Classification: Pathogenic. Last evaluated: 2025-02-17. Review status: criteria provided, single submitter. Criteria: ACMG Guidelines, 2015. Collection method: clinical testing. Allele origin: germline. Observed: 4 variant alleles.
Comment: PM2_supporting, PS4, PVS1

Blueprint Genetics
Classification: Pathogenic for ACVRL1-related disorders. Last evaluated: 2024-02-09. Review status: criteria provided, single submitter. Criteria: ACMG Guidelines, 2015. Collection method: clinical testing. Allele origin: germline. Affected: yes. Observed: 2 variant alleles.

GeneDx
Classification: Pathogenic. Last evaluated: 2024-01-31. Review status: criteria provided, single submitter. Criteria: GeneDx Variant Classification Process June 2021. Collection method: clinical testing. Allele origin: germline. Affected: yes.
Comment: Nonsense variant predicted to result in protein truncation or nonsense mediated decay in a gene for which loss of function is a known mechanism of disease; Published studies in patient cells support this variant results in nonsense mediated decay (PMID: 9245985); Not observed at significant frequency in large population cohorts (gnomAD); This variant is associated with the following publications: (PMID: 25525159, 16123970, 16429404, 17786384, 23066781, 33919892, 9245985)

Greenwood Genetic Center Diagnostic Laboratories, Greenwood Genetic Center
Classification: Pathogenic for Telangiectasia, hereditary hemorrhagic, type 2. Last evaluated: 2021-11-24. Review status: criteria provided, single submitter. Criteria: ACMG Guidelines, 2015. Collection method: clinical testing. Allele origin: germline. Affected: yes.
Comment: PVS1, PP1, PM2

MGZ Medical Genetics Center
Classification: Pathogenic for Telangiectasia, hereditary hemorrhagic, type 2. Last evaluated: 2021-09-08. Review status: criteria provided, single submitter. Criteria: ACMG Guidelines, 2015. Collection method: clinical testing. Allele origin: germline. Affected: yes. Observed: 1 variant allele.
Comment: ACMG criteria applied: PVS1, PS4_MOD, PM2_SUP, PP1

ARUP Laboratories, Molecular Genetics and Genomics, ARUP Laboratories
Classification: Pathogenic. Last evaluated: 2018-03-29. Review status: criteria provided, single submitter. Criteria: ARUP Molecular Germline Variant Investigation Process. Collection method: clinical testing. Allele origin: germline.
Comment: The ACVRL1 c.924C>A; p.Cys308Ter variant is reported in the literature in individuals with HHT (Bayrak-Toydemir 2004, Berg 1997, Lenato 2006, Olivieri 2007), and classified as pathogenic in ClinVar (Variation ID: 464771). This variant is absent from the general population databases (1000 Genomes Project, Exome Variant Server, Genome Aggregation Database), indicating it is not a common polymorphism. This variant induces an early termination codon and predicted to result in a truncated protein or mRNA subject to nonsense-medicated decay. Based on available information, this variant is considered pathogenic. REFERENCES Bayrak-Toydemir P et al. Hereditary hemorrhagic telangiectasia: an overview of diagnosis and management in the molecular era for clinicians. Genet Med. 2004 Jul-Aug;6(4):175-91. Berg JN et al. The activin receptor-like kinase 1 gene: genomic structure and mutations in hereditary hemorrhagic telangiectasia type 2. Am J Hum Genet. 1997 Jul;61(1):60-7. Lenato GM et al. DHPLC-based mutation analysis of ENG and ALK-1 genes in HHT Italian population. Hum Mutat. 2006 Feb;27(2):213-4. Olivieri C et al. Analysis of ENG and ACVRL1 genes in 137 HHT Italian families identifies 76 different mutations (24 novel). Comparison with other European studies. J Hum Genet. 2007;52(10):820-9.

Literature cited by the submitters: PubMed 16123970 (cited by 3 submitters); PubMed 16429404 (cited by Ambry Genetics and Mayo Clinic Laboratories, Mayo Clinic); PubMed 17786384 (cited by Ambry Genetics and Mayo Clinic Laboratories, Mayo Clinic); PubMed 9245985 (cited by 3 submitters); PubMed 15879500 (cited by Labcorp Genetics (formerly Invitae), Labcorp and Mayo Clinic Laboratories, Mayo Clinic); PubMed 15266205 (cited by Mayo Clinic Laboratories, Mayo Clinic); PubMed 16752392 (cited by Mayo Clinic Laboratories, Mayo Clinic).